The following is an entry in ClinVar:

ClinVar aggregate classification (germline): Likely pathogenic (1 of 4 stars; one submission).

Conditions:
Leber congenital amaurosis (LCA). Also called: Leber's amaurosis. Identifiers: Orphanet 65, MedGen C0339527, MeSH D057130, MONDO:0018998.

Submission:

Natera, Inc.
Classification: Likely pathogenic for Leber congenital amaurosis. Last evaluated: 2025-10-21. Review status: criteria provided, single submitter. Criteria: Natera Variant Classification Schema (03/2026). Collection method: clinical testing. Allele origin: germline.
Comment: The c.5616del variant in CEP290 is a frameshift variant predicted to shift the reading frame and introduce a stop codon. This variant is expected to result in nonsense mediated decay, truncation, or a dysfunctional protein product. This variant is rare in the general population with a frequency below the threshold expected for the associated phenotype(s). Given the available evidence, this variant is classified as Likely Pathogenic.

NM_025114.4(CEP290):c.5616del (p.Ser1872_Leu1873insTer)

Gene: CEP290 (centrosomal protein 290; minus strand). Cytogenetic location: 12q21.32.
Variant type: Deletion.
Coding change: c.5616del on transcript NM_025114.4 (MANE Select); coding-DNA position 5616, one base deleted (T; older notation c.5616delT).
Protein change: p.Ser1872_Leu1873insTer.
Molecular consequence: frameshift variant.
Genome position (GRCh38, 1-based): chr12:88,077,315, A deleted on the plus strand (T on the coding strand, the reverse complement: CEP290 is on the minus strand). VCF-style (leftmost placement, unchanged base first): chr12-88077314-GA-G. GRCh37 (hg19) VCF-style: chr12-88471091-GA-G.
Identifiers: ClinVar variation 4816226 (VCV004816226.1).